The following is an entry in ClinVar:

ClinVar aggregate classification (germline): Conflicting classifications of pathogenicity. Review status: criteria provided, conflicting classifications (1 of 4 stars). 5 submissions from 5 submitters: Uncertain significance (4); Likely benign (1). Last evaluated 2026-04-03.

Conditions:
Hereditary cancer-predisposing syndrome. Also called: Neoplastic Syndromes, Hereditary; Tumor predisposition; Hereditary Cancer Syndrome; Hereditary neoplastic syndrome. Identifiers: Orphanet 140162, MedGen C0027672, MeSH D009386, MONDO:0015356.
Gorlin syndrome. Also called: Nevoid Basal Cell Carcinoma Syndrome; Basal cell nevus syndrome. Identifiers: Orphanet 377, MedGen C0004779, MONDO:0007187.
PTCH1-related disorder. Also called: PTCH1-related disorders; PTCH1-related condition.

Allele frequency attached by ClinVar (database versions not stated): TOPMed 0.00002; ExAC 0.00003; gnomAD 0.00003; gnomAD exomes 0.00003.
gnomAD v4.1: 148 of 1,610,728 alleles (0.0092%); highest among the groups gnomAD compares: Non-Finnish European, 0.012%; no homozygotes.

Submissions (5):

PreventionGenetics, part of Exact Sciences
Classification: Uncertain significance for PTCH1-related condition. Last evaluated: 2026-04-03. Review status: criteria provided, single submitter. Criteria: ACMG Guidelines, 2015. Collection method: clinical testing. Allele origin: germline.
Comment: The PTCH1 c.134C>G variant is predicted to result in the amino acid substitution p.Pro45Arg. To our knowledge, this variant has not been reported in the literature. This variant is reported in 0.0065% of alleles in individuals of European (Non-Finnish) descent in gnomAD. This variant has conflicting interpretations in ClinVar ranging from uncertain to likely benign (Variation ID: 135871). At this time, the clinical significance of this variant is uncertain due to the absence of conclusive functional and genetic evidence.

Center for Genomic Medicine, Rigshospitalet, Copenhagen University Hospital
Classification: Uncertain significance. Last evaluated: 2025-12-29. Review status: criteria provided, single submitter. Criteria: ACMG Guidelines, 2015. Collection method: clinical testing. Allele origin: germline.

Labcorp Genetics (formerly Invitae), Labcorp
Classification: Likely benign for Gorlin syndrome. Last evaluated: 2025-12-21. Review status: criteria provided, single submitter. Criteria: Invitae Variant Classification Sherloc (09022015). Collection method: clinical testing. Allele origin: germline.

Quest Diagnostics Nichols Institute San Juan Capistrano
Classification: Uncertain significance. Last evaluated: 2024-06-27. Review status: criteria provided, single submitter. Criteria: Quest Diagnostics criteria. Collection method: clinical testing. Allele origin: unknown.
Comment: The PTCH1 c.134C>G (p.Pro45Arg) variant has not been reported in individuals with PTCH1-related conditions in the published literature. The frequency of this variant in the general population, 0.0001 (4/39528 chromosomes in North-Western European subpopulation (Genome Aggregation Database)), is higher than would generally be expected for pathogenic variants in this gene. Analysis of this variant using bioinformatics tools for the prediction of the effect of amino acid changes on protein structure and function yielded predictions that this variant is benign. Based on the available information, we are unable to determine the clinical significance of this variant.

Ambry Genetics
Classification: Uncertain significance for Hereditary cancer-predisposing syndrome. Last evaluated: 2022-07-26. Review status: criteria provided, single submitter. Criteria: Ambry Variant Classification Scheme 2023. Collection method: clinical testing. Allele origin: germline.

NM_000264.5(PTCH1):c.134C>G (p.Pro45Arg)

Genes: PTCH1 (patched 1; minus strand), LOC130002133 (ATAC-STARR-seq lymphoblastoid silent region 20071; plus strand). Cytogenetic location: 9q22.32.
Variant type: single nucleotide variant.
Coding change: c.134C>G on transcript NM_000264.5 (MANE Select); coding-DNA position 134, C replaced by G.
Protein change: p.Pro45Arg; replaces proline 45 with arginine.
Molecular consequence: missense variant. On other transcripts: non-coding transcript variant (1), intron variant (3).
Genome position (GRCh38, 1-based): chr9:95,508,228, G>C on the plus strand (C>G on the coding strand, the complement: PTCH1 is on the minus strand). VCF-style: chr9-95508228-G-C. GRCh37 (hg19) VCF-style: chr9-98270510-G-C.
Other names: c.134C>G (NM_000264.4); c.134C>G, p.Pro45Arg (NM_001354918.2); c.199-1629C>G (NM_001083603.3); c.4-1629C>G (NM_001083602.3, NM_001354919.2); short protein forms P45R.
Identifiers: ClinVar variation 135871 (VCV000135871.16), dbSNP rs587780692, ClinGen allele CA332457.
Genomic context (GRCh38, chr9:95,508,228, plus strand): 5'-ATCTGCTCCAGAGCGAAGGCGGCGTCGCAGTAGCTGGGCCGGTGCAGATAGTCCCGGTCC[G>C]GCGCGGCAGCACGGCGCAGCCCCCCCGTCCGTCTGCGCCTCCCGCCTCCAGCCGGCCGTC-3'
Protein context (NP_000255.2, residues 35-55): RTGGLRRAAA[Pro45Arg]DRDYLHRPSY